The following is an entry in ClinVar:

ClinVar aggregate classification (germline): Uncertain significance (0 of 4 stars; one submission).

Conditions:
KIDINS220-related disorder. Also called: KIDINS220-related condition.

Allele frequency attached by ClinVar (database versions not stated): TOPMed below 0.00001; gnomAD 0.00001; ExAC 0.00008.
gnomAD v4.1: 43 of 1,613,986 alleles (0.0027%); highest among the groups gnomAD compares: Non-Finnish European, 0.0032%; no homozygotes.

Submission:

PreventionGenetics, part of Exact Sciences
Classification: Uncertain significance for KIDINS220-related condition. Last evaluated: 2024-02-02. Review status: no assertion criteria provided. Collection method: clinical testing. Allele origin: germline.
Comment: The KIDINS220 c.3916C>T variant is predicted to result in the amino acid substitution p.Arg1306Cys. To our knowledge, this variant has not been reported in the literature. This variant is reported in 0.0093% of alleles in individuals of European (Non-Finnish) descent in gnomAD. At this time, the clinical significance of this variant is uncertain due to the absence of conclusive functional and genetic evidence.

NM_020738.4(KIDINS220):c.3916C>T (p.Arg1306Cys)

Gene: KIDINS220 (kinase D interacting substrate 220; minus strand). Cytogenetic location: 2p25.1.
Variant type: single nucleotide variant.
Coding change: c.3916C>T on transcript NM_020738.4 (MANE Select); coding-DNA position 3916, C replaced by T.
Protein change: p.Arg1306Cys; replaces arginine 1306 with cysteine.
Molecular consequence: missense variant. On other transcripts: non-coding transcript variant (2).
Genome position (GRCh38, 1-based): chr2:8,733,581, G>A on the plus strand (C>T on the coding strand, the complement: KIDINS220 is on the minus strand). VCF-style: chr2-8733581-G-A. GRCh37 (hg19) VCF-style: chr2-8873711-G-A.
Other names: c.3919C>T, p.Arg1307Cys (NM_001348729.2); c.3862C>T, p.Arg1288Cys (NM_001348731.2); c.3859C>T, p.Arg1287Cys (NM_001348732.2, NM_001348738.2); c.3748C>T, p.Arg1250Cys (NM_001348734.2, NM_001348739.2, NM_001348740.2); c.3745C>T, p.Arg1249Cys (NM_001348735.2, NM_001348741.2, NM_001348742.2 and 1 more transcripts); c.3619C>T, p.Arg1207Cys (NM_001348736.2); short protein forms R1207C, R1249C, R1250C, R1287C, R1288C, R1306C, R1307C.
Identifiers: ClinVar variation 3046953 (VCV003046953.2), dbSNP rs770356254, ClinGen allele CA1519478.